The following is an entry in ClinVar:

ClinVar aggregate classification (germline): Benign/Likely benign. Review status: criteria provided, multiple submitters, no conflicts (2 of 4 stars). 4 submissions from 4 submitters: Benign (1); Likely benign (3). Last evaluated 2025-09-20.

Conditions:
Hereditary leiomyomatosis and renal cell cancer. Also called: MULTIPLE CUTANEOUS AND UTERINE LEIOMYOMATA 1, WITH OR WITHOUT RENAL CELL CARCINOMA; Reed syndrome; Multiple cutaneous and uterine leiomyomatosis; Cutaneous leiomyomata with uterine leiomyomata; Leiomyoma, hereditary multiple, of skin; Multiple cutaneous and uterine leiomyomata. Identifiers: Orphanet 523, MedGen C1708350, MONDO:0007888, OMIM 150800, HP:0007437. Disease mechanism: loss of function.
Hereditary cancer-predisposing syndrome. Also called: Neoplastic Syndromes, Hereditary; Tumor predisposition; Hereditary Cancer Syndrome; Hereditary neoplastic syndrome. Identifiers: Orphanet 140162, MedGen C0027672, MeSH D009386, MONDO:0015356.

Submissions (4):

Ambry Genetics
Classification: Likely benign for Hereditary cancer-predisposing syndrome. Last evaluated: 2025-09-20. Review status: criteria provided, single submitter. Criteria: Ambry Variant Classification Scheme 2023. Collection method: clinical testing. Allele origin: germline.

Myriad Genetics, Inc.
Classification: Benign for Hereditary leiomyomatosis and renal cell cancer. Last evaluated: 2024-10-17. Review status: criteria provided, single submitter. Criteria: Myriad Autosomal Dominant, Autosomal Recessive and X-Linked Classification Criteria (2023). Collection method: clinical testing. Allele origin: unknown.
Comment: This variant is considered benign. This variant is a silent/synonymous amino acid change and it is not expected to impact splicing.

Labcorp Genetics (formerly Invitae), Labcorp
Classification: Likely benign. Last evaluated: 2021-08-12. Review status: criteria provided, single submitter. Criteria: Invitae Variant Classification Sherloc (09022015). Collection method: clinical testing. Allele origin: germline.

GeneDx
Classification: Likely benign. Last evaluated: 2018-04-02. Review status: criteria provided, single submitter. Criteria: GeneDx Variant Classification (06012015). Collection method: clinical testing. Allele origin: germline. Affected: yes.
Comment: This variant is considered likely benign or benign based on one or more of the following criteria: it is a conservative change, it occurs at a poorly conserved position in the protein, it is predicted to be benign by multiple in silico algorithms, and/or has population frequency not consistent with disease.

NM_000143.4(FH):c.180A>G (p.Leu60=)

Gene: FH (fumarate hydratase; minus strand). Cytogenetic location: 1q43.
Variant type: single nucleotide variant.
Coding change: c.180A>G on transcript NM_000143.4 (MANE Select); coding-DNA position 180, A replaced by G.
Protein change: p.Leu60=; no amino-acid change (leucine 60 retained).
Molecular consequence: synonymous variant.
Genome position (GRCh38, 1-based): chr1:241,517,269, T>C on the plus strand (A>G on the coding strand, the complement: FH is on the minus strand). VCF-style: chr1-241517269-T-C. GRCh37 (hg19) VCF-style: chr1-241680569-T-C.
Identifiers: ClinVar variation 681533 (VCV000681533.10), dbSNP rs1573888502, ClinGen allele CA424076606.